The following is an entry in ClinVar:

ClinVar aggregate classification (germline): Uncertain significance. Review status: criteria provided, multiple submitters, no conflicts (2 of 4 stars). 2 submissions from 2 submitters: Uncertain significance (2). Last evaluated 2022-09-21.

Submissions (2):

GeneDx
Classification: Uncertain significance. Last evaluated: 2022-09-21. Review status: criteria provided, single submitter. Criteria: GeneDx Variant Classification Process June 2021. Collection method: clinical testing. Allele origin: germline. Affected: yes.
Comment: Not observed at significant frequency in large population cohorts (gnomAD); In silico analysis supports that this missense variant has a deleterious effect on protein structure/function; Has not been previously published as pathogenic or benign to our knowledge

Labcorp Genetics (formerly Invitae), Labcorp
Classification: Uncertain significance. Last evaluated: 2022-04-10. Review status: criteria provided, single submitter. Criteria: Invitae Variant Classification Sherloc (09022015). Collection method: clinical testing. Allele origin: germline.
Comment: In summary, the available evidence is currently insufficient to determine the role of this variant in disease. Therefore, it has been classified as a Variant of Uncertain Significance. Advanced modeling of protein sequence and biophysical properties (such as structural, functional, and spatial information, amino acid conservation, physicochemical variation, residue mobility, and thermodynamic stability) performed at Invitae indicates that this missense variant is expected to disrupt GABRB1 protein function. This variant has not been reported in the literature in individuals affected with GABRB1-related conditions. This variant is not present in population databases (gnomAD no frequency). This sequence change replaces tyrosine, which is neutral and polar, with phenylalanine, which is neutral and non-polar, at codon 468 of the GABRB1 protein (p.Tyr468Phe).

NM_000812.4(GABRB1):c.1403A>T (p.Tyr468Phe)

Gene: GABRB1 (gamma-aminobutyric acid type A receptor subunit beta1; plus strand). Cytogenetic location: 4p12.
Variant type: single nucleotide variant.
Coding change: c.1403A>T on transcript NM_000812.4 (MANE Select); coding-DNA position 1403, A replaced by T.
Protein change: p.Tyr468Phe; replaces tyrosine 468 with phenylalanine.
Molecular consequence: missense variant.
Genome position (GRCh38, 1-based): chr4:47,425,996, A>T. VCF-style: chr4-47425996-A-T. GRCh37 (hg19) VCF-style: chr4-47428013-A-T.
Other names: c.1403A>T (NM_000812.3); short protein forms Y468F.
Identifiers: ClinVar variation 2106376 (VCV002106376.5), dbSNP rs746766091, ClinGen allele CA356767952.